The following is an entry in ClinVar:

ClinVar aggregate classification (germline): Likely benign (0 of 4 stars; one submission).

Conditions:
CLPTM1-related disorder. Also called: CLPTM1-related condition.

Allele frequency attached by ClinVar (database versions not stated): ExAC 0.00011; gnomAD 0.00013; TOPMed 0.00015; 1000 Genomes Project 30x 0.00016; 1000 Genomes Project 0.00020; gnomAD exomes 0.00028; ESP Exome Variant Server 0.00031.
gnomAD v4.1: 424 of 1,609,034 alleles (0.026%); highest among the groups gnomAD compares: Non-Finnish European, 0.034%; no homozygotes.

Submission:

PreventionGenetics, part of Exact Sciences
Classification: Likely benign for CLPTM1-related condition. Last evaluated: 2019-06-03. Review status: no assertion criteria provided. Collection method: clinical testing. Allele origin: germline.
Comment: This variant is classified as likely benign based on ACMG/AMP sequence variant interpretation guidelines (Richards et al. 2015 PMID: 25741868, with internal and published modifications).

NM_001294.4(CLPTM1):c.804C>T (p.Phe268=)

Gene: CLPTM1 (CLPTM1 regulator of GABA type A receptor forward trafficking; plus strand). Cytogenetic location: 19q13.32.
Variant type: single nucleotide variant.
Coding change: c.804C>T on transcript NM_001294.4 (MANE Select); coding-DNA position 804, C replaced by T.
Protein change: p.Phe268=; no amino-acid change (phenylalanine 268 retained).
Molecular consequence: synonymous variant.
Genome position (GRCh38, 1-based): chr19:44,987,189, C>T. VCF-style: chr19-44987189-C-T. GRCh37 (hg19) VCF-style: chr19-45490447-C-T.
Other names: c.762C>T, p.Phe254= (NM_001282175.2); c.498C>T, p.Phe166= (NM_001282176.2).
Identifiers: ClinVar variation 3043739 (VCV003043739.2), dbSNP rs142500092, ClinGen allele CA9506958.